The following is an entry in ClinVar:

NM_000038.6(APC):c.1958+392G>T

Gene: APC (APC regulator of WNT signaling pathway; plus strand). Cytogenetic location: 5q22.2.
Variant type: single nucleotide variant.
Coding change: c.1958+392G>T on transcript NM_000038.6 (MANE Select); 392 bases into the intron after coding-DNA position 1958, G replaced by T.
Molecular consequence: intron variant.
Genome position (GRCh38, 1-based): chr5:112,835,557, G>T. VCF-style: chr5-112835557-G-T. GRCh37 (hg19) VCF-style: chr5-112171254-G-T.
Other names: c.1958+392G>T (NM_001354895.2, NM_001127510.3); c.1988+392G>T (NM_001354897.2); c.1685+392G>T (NM_001354902.2); c.1904+392G>T (NM_001127511.3); c.1883+392G>T (NM_001354898.2); c.1580+392G>T (NM_001354904.2); c.1109+392G>T (NM_001354906.2); c.2012+392G>T (NM_001354896.2); and 5 more.
Identifiers: ClinVar variation 83216 (VCV000083216.2), dbSNP rs79726949, ClinGen allele CA006650.
Genomic context (GRCh38, chr5:112,835,557, plus strand): 5'-CAAAAACTATGAGCGTGATCCAGAGAATATAAAGGTTCACATTTTTCTAATGATGTCTTA[G>T]TATCCATAATAATAATTTTTTTTTTTTTTTTTTGAGACAGGGTCTCACTCTGTCTCCCAG-3'

ClinVar aggregate classification (germline): other (0 of 4 stars; one submission).

Conditions:
Familial colorectal cancer. Identifiers: MedGen CN280943, MONDO:0023113. Disease mechanism: loss of function.

Submission:

Systems Biology Platform Zhejiang California International NanoSystems Institute
Classification: other for Familial colorectal cancer. Review status: no assertion criteria provided. Collection method: not provided. Allele origin: unknown.
ClinVar note: Converted during submission from cancer to other.